The following is an entry in ClinVar:

NM_024580.6(EFL1):c.371G>A (p.Cys124Tyr)

Gene: EFL1 (elongation factor like GTPase 1; minus strand). Cytogenetic location: 15q25.2.
Variant type: single nucleotide variant.
Coding change: c.371G>A on transcript NM_024580.6 (MANE Select); coding-DNA position 371, G replaced by A.
Protein change: p.Cys124Tyr; replaces cysteine 124 with tyrosine.
Molecular consequence: missense variant. On other transcripts: 5 prime UTR variant (1), non-coding transcript variant (1).
Genome position (GRCh38, 1-based): chr15:82,241,277, C>T on the plus strand (G>A on the coding strand, the complement: EFL1 is on the minus strand). VCF-style: chr15-82241277-C-T. GRCh37 (hg19) VCF-style: chr15-82533618-C-T.
Other names: c.218G>A, p.Cys73Tyr (NM_001040610.3); c.-419G>A (NM_001322844.2); c.371G>A, p.Cys124Tyr (NM_001322845.2); short protein forms C124Y, C73Y.
Identifiers: ClinVar variation 1992043 (VCV001992043.3), dbSNP rs373734975, ClinGen allele CA7698299.
Genomic context (GRCh38, chr15:82,241,277, plus strand): 5'-CCCTCTTTCCTCACCCTTAACCATTTAAGTATTTTCTCATCACAATCCATTACCTGTGGA[C>T]AGACTCCTTCCACAGCATCTACCACAATGATGCATCCATCACAAATGCGAACAGCGGTTG-3'
Protein context (NP_078856.4, residues 114-134): IIVVDAVEGV[Cys124Tyr]PQTQAVLRQA

ClinVar aggregate classification (germline): Uncertain significance (1 of 4 stars; one submission).

Allele frequency attached by ClinVar (database versions not stated): gnomAD exomes below 0.00001; ExAC 0.00002; gnomAD 0.00003; TOPMed 0.00005; ESP Exome Variant Server 0.00008.
gnomAD v4.1: 12 of 1,613,750 alleles (0.00074%); highest among the groups gnomAD compares: African/African-American, 0.013%; no homozygotes.

Submission:

Labcorp Genetics (formerly Invitae), Labcorp
Classification: Uncertain significance. Last evaluated: 2022-03-18. Review status: criteria provided, single submitter. Criteria: Invitae Variant Classification Sherloc (09022015). Collection method: clinical testing. Allele origin: germline.
Comment: This sequence change replaces cysteine, which is neutral and slightly polar, with tyrosine, which is neutral and polar, at codon 124 of the EFL1 protein (p.Cys124Tyr). This variant is present in population databases (rs373734975, gnomAD 0.01%). This variant has not been reported in the literature in individuals affected with EFL1-related conditions. Algorithms developed to predict the effect of missense changes on protein structure and function are either unavailable or do not agree on the potential impact of this missense change (SIFT: "Deleterious"; PolyPhen-2: "Probably Damaging"; Align-GVGD: "Class C0"). In summary, the available evidence is currently insufficient to determine the role of this variant in disease. Therefore, it has been classified as a Variant of Uncertain Significance.